The following is an entry in ClinVar:

ClinVar aggregate classification (germline): Benign (1 of 4 stars; one submission).

gnomAD v4.1: 18,091 of 1,608,278 alleles (1.1%); highest among the groups gnomAD compares: Middle Eastern, 1.7%; 157 homozygotes.

Submission:

CeGaT Center for Human Genetics Tuebingen
Classification: Benign. Last evaluated: 2026-08-01. Review status: criteria provided, single submitter. Criteria: CeGaT Center For Human Genetics Tuebingen Variant Classification Criteria Version 2. Collection method: clinical testing. Allele origin: germline. Affected: yes. Observed: 4 variant alleles.
Comment: ESS2: BS1, BS2

NM_022719.3(ESS2):c.92C>T (p.Ala31Val)

Gene: ESS2 (ess-2 spliceosome associated protein; minus strand). Cytogenetic location: 22q11.21.
Variant type: single nucleotide variant.
Coding change: c.92C>T on transcript NM_022719.3 (MANE Select); coding-DNA position 92, C replaced by T.
Protein change: p.Ala31Val; replaces alanine 31 with valine.
Molecular consequence: missense variant. On other transcripts: non-coding transcript variant (1).
Genome position (GRCh38, 1-based): chr22:19,144,549, G>A on the plus strand (C>T on the coding strand, the complement: ESS2 is on the minus strand). VCF-style: chr22-19144549-G-A. GRCh37 (hg19) VCF-style: chr22-19132062-G-A.
Other names: short protein forms A31V.
Identifiers: ClinVar variation 3341541 (VCV003341541.16).